The following is an entry in ClinVar:

ClinVar aggregate classification (germline): Uncertain significance (1 of 4 stars; one submission).

Conditions:
Cardiovascular phenotype. Identifiers: MedGen CN230736.

gnomAD v4.1: 1 of 1,610,820 alleles (0.000062%); highest among the groups gnomAD compares: Non-Finnish European, 0.000085%; no homozygotes.

Submission:

Ambry Genetics
Classification: Uncertain significance for Cardiovascular phenotype. Last evaluated: 2025-03-23. Review status: criteria provided, single submitter. Criteria: Ambry Variant Classification Scheme 2023. Collection method: clinical testing. Allele origin: germline.
Comment: The p.D601H variant (also known as c.1801G>C), located in coding exon 13 of the CACNB2 gene, results from a G to C substitution at nucleotide position 1801. The aspartic acid at codon 601 is replaced by histidine, an amino acid with similar properties. This amino acid position is conserved. In addition, this alteration is predicted to be deleterious by in silico analysis. Based on the available evidence, the clinical significance of this variant remains unclear.

NM_201596.3(CACNB2):c.1963G>C (p.Asp655His)

Gene: CACNB2 (calcium voltage-gated channel auxiliary subunit beta 2; plus strand). Cytogenetic location: 10p12.31.
Variant type: single nucleotide variant.
Coding change: c.1963G>C on transcript NM_201596.3 (MANE Select); coding-DNA position 1963, G replaced by C.
Protein change: p.Asp655His; replaces aspartic acid 655 with histidine.
Molecular consequence: missense variant.
Genome position (GRCh38, 1-based): chr10:18,539,704, G>C. VCF-style: chr10-18539704-G-C. GRCh37 (hg19) VCF-style: chr10-18828633-G-C.
Other names: c.1798G>C, p.Asp600His (NM_000724.4); c.1765G>C, p.Asp589His (NM_001167945.2); c.1684G>C, p.Asp562His (NM_001330060.2); c.1705G>C, p.Asp569His (NM_001410882.1); c.1819G>C, p.Asp607His (NM_201570.3); c.1879G>C, p.Asp627His (NM_201571.4); c.1807G>C, p.Asp603His (NM_201572.4); c.1801G>C, p.Asp601His (NM_201590.3); and 2 more; short protein forms D569H, D600H, D601H, D562H, D627H, D655H, D589H, D603H.
Identifiers: ClinVar variation 3994596 (VCV003994596.1).